The following is an entry in ClinVar:

ClinVar aggregate classification (germline): Conflicting classifications of pathogenicity. Review status: criteria provided, conflicting classifications (1 of 4 stars). 5 submissions from 5 submitters: Uncertain significance (1); Likely benign (2). 2 of the submissions do not count toward it. Last evaluated 2026-01-25.

Conditions:
Nemaline myopathy 2 (NEM2). Also called: Nemaline myopathy 2, autosomal recessive. Identifiers: MedGen C1850569, MONDO:0009725, OMIM 256030.

Allele frequency attached by ClinVar (database versions not stated): ExAC 0.00007; ESP Exome Variant Server 0.00008; gnomAD exomes 0.00010; gnomAD 0.00020 and 0.00021; TOPMed 0.00025; 1000 Genomes Project 30x 0.00062; 1000 Genomes Project 0.00080.
gnomAD v4.1: 191 of 1,613,686 alleles (0.012%); highest among the groups gnomAD compares: Middle Eastern, 0.099%; no homozygotes.

Submissions (5):

Labcorp Genetics (formerly Invitae), Labcorp
Classification: Likely benign for Nemaline myopathy 2. Last evaluated: 2026-01-25. Review status: criteria provided, single submitter. Criteria: Invitae Variant Classification Sherloc (09022015). Collection method: clinical testing. Allele origin: germline.

Illumina Laboratory Services, Illumina
Classification: Uncertain significance for Nemaline myopathy 2. Last evaluated: 2018-01-13. Review status: criteria provided, single submitter. Criteria: ICSL Variant Classification Criteria 13 December 2019. Collection method: clinical testing. Allele origin: germline.

GeneDx
Classification: Likely benign. Last evaluated: 2016-06-20. Review status: criteria provided, single submitter. Criteria: GeneDx Variant Classification (06012015). Collection method: clinical testing. Allele origin: germline. Affected: yes.
Comment: This variant is considered likely benign or benign based on one or more of the following criteria: it is a conservative change, it occurs at a poorly conserved position in the protein, it is predicted to be benign by multiple in silico algorithms, and/or has population frequency not consistent with disease.

Clinical Genetics DNA and cytogenetics Diagnostics Lab, Erasmus MC, Erasmus Medical Center
Classification: Likely benign. Review status: no assertion criteria provided. Collection method: clinical testing. Allele origin: germline. Affected: yes. Study: VKGL Data-share Consensus. Not counted in ClinVar's aggregate classification.

Genome Diagnostics Laboratory, University Medical Center Utrecht
Classification: Likely benign. Review status: no assertion criteria provided. Collection method: clinical testing. Allele origin: germline. Affected: yes. Study: VKGL Data-share Consensus. Not counted in ClinVar's aggregate classification.

NM_001164508.2(NEB):c.10608C>T (p.Gly3536=)

Gene: NEB (nebulin; minus strand). Cytogenetic location: 2q23.3.
Variant type: single nucleotide variant.
Coding change: c.10608C>T on transcript NM_001164508.2 (MANE Select); coding-DNA position 10608, C replaced by T.
Protein change: p.Gly3536=; no amino-acid change (glycine 3536 retained).
Molecular consequence: synonymous variant.
Genome position (GRCh38, 1-based): chr2:151,619,715, G>A on the plus strand (C>T on the coding strand, the complement: NEB is on the minus strand). VCF-style: chr2-151619715-G-A. GRCh37 (hg19) VCF-style: chr2-152476229-G-A.
Other names: c.10608C>T, p.Gly3536= (NM_001164507.2, NM_001271208.2); c.9879C>T, p.Gly3293= (NM_004543.5).
Identifiers: ClinVar variation 331479 (VCV000331479.18), dbSNP rs144673752, ClinGen allele CA1908979.
Genomic context (GRCh38, chr2:151,619,715, plus strand): 5'-CTGCACTTTGGCAATGTGGAGGGACCACATTATCTTGGGGTCATCGTGTACTGCTCGGGC[G>A]CCAATGTGGTGACCCAACTGTTTACGATATGCTTCTTTGTATTTGTACTGAAAGAGAGAA-3'
Protein context (NP_001157980.2, residues 3526-3546): AYRKQLGHHI[Gly3536=]ARAVHDDPKI